The following is an entry in ClinVar:

ClinVar aggregate classification (germline): Likely pathogenic (1 of 4 stars; one submission).

Conditions:
Glycogen storage disease, type V (GSD5). Also called: MCARDLE DISEASE; MUSCLE GLYCOGEN PHOSPHORYLASE DEFICIENCY; MYOPHOSPHORYLASE DEFICIENCY; PYGM DEFICIENCY; McArdle type glycogen storage disease. Identifiers: Orphanet 368, MedGen C0017924, MONDO:0009293, OMIM 232600.

gnomAD v4.1: 1 of 1,614,228 alleles (0.000062%); highest among the groups gnomAD compares: Non-Finnish European, 0.000085%; no homozygotes.

Submission:

Natera, Inc.
Classification: Likely pathogenic for Glycogen storage disease V. Last evaluated: 2025-12-02. Review status: criteria provided, single submitter. Criteria: Natera Variant Classification Schema (03/2026). Collection method: clinical testing. Allele origin: germline.
Comment: The c.107T>C variant in PYGM is a missense variant predicted to cause substitution of leucine to proline at amino acid 36. This variant is rare in the general population with a frequency below the threshold expected for the associated phenotype(s). This variant has been observed in one or more individuals affected with the associated recessive disease, as either homozygous or compound heterozygous with a second variant (PMID: 20861058, 34534370). Computational prediction algorithms indicate this variant is likely to affect gene or protein function. Given the available evidence, this variant is classified as Likely Pathogenic.

Literature cited by the submitters: PubMed 20861058; PubMed 34534370.

NM_005609.4(PYGM):c.107T>C (p.Leu36Pro)

Gene: PYGM (glycogen phosphorylase, muscle associated; minus strand). Cytogenetic location: 11q13.1.
Variant type: single nucleotide variant.
Coding change: c.107T>C on transcript NM_005609.4 (MANE Select); coding-DNA position 107, T replaced by C.
Protein change: p.Leu36Pro; replaces leucine 36 with proline.
Molecular consequence: missense variant.
Genome position (GRCh38, 1-based): chr11:64,759,792, A>G on the plus strand (T>C on the coding strand, the complement: PYGM is on the minus strand). VCF-style: chr11-64759792-A-G. GRCh37 (hg19) VCF-style: chr11-64527264-A-G.
Other names: c.107T>C, p.Leu36Pro (NM_001164716.1); short protein forms L36P.
Identifiers: ClinVar variation 4060628 (VCV004060628.2).